The following is an entry in ClinVar:

NM_000371.4(TTR):c.265T>C (p.Tyr89His)

Gene: TTR (transthyretin; plus strand). Cytogenetic location: 18q12.1.
Variant type: single nucleotide variant.
Coding change: c.265T>C on transcript NM_000371.4 (MANE Select); coding-DNA position 265, T replaced by C.
Protein change: p.Tyr89His; replaces tyrosine 89 with histidine.
Molecular consequence: missense variant.
Genome position (GRCh38, 1-based): chr18:31,595,184, T>C. VCF-style: chr18-31595184-T-C. GRCh37 (hg19) VCF-style: chr18-29175147-T-C.
Other names: Y69H; short protein forms Y89H.
Identifiers: ClinVar variation 13466 (VCV000013466.19), dbSNP rs121918100, ClinGen allele CA123120.

ClinVar aggregate classification (germline): Pathogenic/Likely pathogenic. Review status: criteria provided, multiple submitters, no conflicts (2 of 4 stars). 7 submissions from 7 submitters: Pathogenic (3); Likely pathogenic (2). 2 of the submissions do not count toward it. Last evaluated 2025-11-17.

Conditions:
Cardiovascular phenotype. Identifiers: MedGen CN230736.
Amyloidosis, hereditary systemic 1 (AMYLD1). Also called: Transthyretin Amyloidosis; Hereditary Transthyretin Amyloidosis; Isolated Cardiac Amyloidosis; Amyloid Cardiomyopathy, Transthyretin-related; Familial amyloid polyneuropathy; Hereditary oculoleptomeningeal amyloid angiopathy. Identifiers: Orphanet 85447, Orphanet 85451, MedGen C2751492, MONDO:0971004, OMIM 105210.

Submissions (7):

Labcorp Genetics (formerly Invitae), Labcorp
Classification: Pathogenic for Amyloidosis, hereditary systemic 1. Last evaluated: 2025-11-17. Review status: criteria provided, single submitter. Criteria: Invitae Variant Classification Sherloc (09022015). Collection method: clinical testing. Allele origin: germline.
Comment: This sequence change replaces tyrosine, which is neutral and polar, with histidine, which is basic and polar, at codon 89 of the TTR protein (p.Tyr89His). This variant is not present in population databases (gnomAD no frequency). This missense change has been observed in individual(s) with hereditary transthyretin-mediated amyloidosis (hATTR amyloidosis) (PMID: 19491989, 19922332, 26156087, 31257920, 31718691). This variant is also known as Y69H or Tyr69His. ClinVar contains an entry for this variant (Variation ID: 13466). Invitae Evidence Modeling of protein sequence and biophysical properties (such as structural, functional, and spatial information, amino acid conservation, physicochemical variation, residue mobility, and thermodynamic stability) indicates that this missense variant is expected to disrupt TTR protein function with a positive predictive value of 95%. Experimental studies have shown that this missense change affects TTR function (PMID: 15820680). For these reasons, this variant has been classified as Pathogenic.

Ambry Genetics
Classification: Likely pathogenic for Cardiovascular phenotype. Last evaluated: 2022-01-25. Review status: criteria provided, single submitter. Criteria: Ambry Variant Classification Scheme 2023. Collection method: clinical testing. Allele origin: germline.
Comment: The p.Y89H variant (also known as c.265T>C), located in coding exon 3 of the TTR gene, results from a T to C substitution at nucleotide position 265. The tyrosine at codon 89 is replaced by histidine, an amino acid with similar properties. This alteration has been detected in multiple individuals with transthyretin (TTR) amyloidosis, primarily TTR leptomeningeal/central nervous system amyloidosis (Schweitzer K et al. Can J Ophthalmol, 2009 Jun;44:317-9; Suhr OB et al. Amyloid, 2009 Dec;16:208-14; Ziskin JL et al. Acta Neuropathol Commun, 2015 Jul;3:43; Yamada Y et al. Amyloid, 2019 Dec;26:251-252; He S et al. Orphanet J Rare Dis, 2019 11;14:251). Experimental studies show that this alteration may impact protein function (Sekijima Y et al. Cell, 2005 Apr;121:73-85).This variant is considered to be rare based on population cohorts in the Genome Aggregation Database (gnomAD). This amino acid position is highly conserved in available vertebrate species. In addition, this alteration is predicted to be deleterious by in silico analysis. Based on the majority of available evidence to date, this variant is likely to be pathogenic.

ARUP Laboratories, Molecular Genetics and Genomics, ARUP Laboratories
Classification: Likely pathogenic. Last evaluated: 2019-12-26. Review status: criteria provided, single submitter. Criteria: ARUP Molecular Germline Variant Investigation Process. Collection method: clinical testing. Allele origin: germline.
Comment: The TTR c.265T>C;p.Tyr89His variant (rs121918100), also known as Tyr69His in alternative nomenclature, has been published in individuals with oculoleptomenmingeal amyloidosis or ataxia and dementia and been demonstrated to segregate with disease in at least one family (Blevins 2003, Schweitzer 2009, Ziskin 2015). This variant is absent from general population databases (Exome Variant Server, Genome Aggregation Database), indicating it is not a common polymorphism. The tyrosine at amino acid 89 is highly conserved, and computational algorithms (PolyPhen2, SIFT) predict this variant is deleterious. Functional studies further suggest the variant protein has decreased thermodynamic stability and slow tetramer dissociation (Sekijima 2005), although it is not clear that these properties contribute to pathogenesis. Considering available information, the p.Tyr89His variant is considered to be likely pathogenic. References: Blevins G et al. Oculoleptomeningeal amyloidosis in a large kindred with a new transthyretin variant Tyr69His. Neurology. 2003 May 27;60(10):1625-30. Schweitzer K et al. Oculoleptomeningeal amyloidosis in 3 individuals with the transthyretin variant Tyr69His. Can J Ophthalmol. 2009 Jun;44(3):317-9. Sekijima Y et al. The biological and chemical basis for tissue-selective amyloid disease. Cell. 2005 Apr 8;121(1):73-85. Ziskin JL et al. Neuropathologic analysis of Tyr69His TTR variant meningovascular amyloidosis with dementia. Acta Neuropathol Commun. 2015 Jul 10;3:43.

Mendelics
Classification: Pathogenic for Amyloidosis, hereditary systemic 1. Last evaluated: 2019-05-28. Review status: criteria provided, single submitter. Criteria: Mendelics Assertion Criteria 2017. Collection method: clinical testing. Allele origin: unknown.

Women's Health and Genetics/Laboratory Corporation of America, LabCorp
Classification: Pathogenic for Amyloidosis, hereditary systemic 1. Last evaluated: 2016-04-15. Review status: criteria provided, single submitter. Criteria: LabCorp Variant Classification Summary - May 2015. Collection method: clinical testing. Allele origin: germline.
Comment: Variant summary: Variant affects a conserved nucleotide and results in a replacement of a large size and aromatic (Y) with a medium size and polar Histidine (H). 4/4 in silico tools predict the variant to be disease causing. It is absent from the large and broad cohorts of the ExAC project while it was reported in several ATTR patients. Patients presented with a wide range of symptoms including oculoleptomeningeal amyloidosis, seizures and steadily progressing dementia with amyloid deposit findings at autopsy indicating pathogenicity. One database classifies variant as pathogenic. Considering all evidence, the variant was classified as Pathogenic.

Molecular Genetics Laboratory, BC Children's and BC Women's Hospitals
Classification: Pathogenic for Amyloidosis, hereditary systemic 1. Last evaluated: 2024-07-04. Review status: no assertion criteria provided. Criteria: ACMG Guidelines, 2015. Collection method: clinical testing. Allele origin: germline. Affected: yes. Not counted in ClinVar's aggregate classification.

OMIM
Classification: Pathogenic for AMYLOIDOSIS, HEREDITARY SYSTEMIC 1. Last evaluated: 2003-05-27. Review status: no assertion criteria provided. Collection method: literature only. Allele origin: germline. Not counted in ClinVar's aggregate classification.

Literature cited by the submitters: PubMed 19491989 (cited by 3 submitters); PubMed 19922332 (cited by 3 submitters); PubMed 26156087 (cited by 3 submitters); PubMed 31257920 (cited by Labcorp Genetics (formerly Invitae), Labcorp and Ambry Genetics); PubMed 31718691 (cited by Labcorp Genetics (formerly Invitae), Labcorp and Ambry Genetics); PubMed 15820680 (cited by Labcorp Genetics (formerly Invitae), Labcorp and Ambry Genetics); PubMed 12771253 (cited by Women's Health and Genetics/Laboratory Corporation of America, LabCorp and OMIM); PubMed 16448460 (cited by Women's Health and Genetics/Laboratory Corporation of America, LabCorp).